The following is an entry in ClinVar:

NM_000051.4(ATM):c.1734dup (p.Trp579fs)

Gene: ATM (ATM serine/threonine kinase; plus strand). Cytogenetic location: 11q22.3.
Variant type: Duplication.
Coding change: c.1734dup on transcript NM_000051.4 (MANE Select); coding-DNA position 1734, one base duplicated (A; older notation c.1734dupA).
Protein change: p.Trp579fs; shifts the reading frame from tryptophan 579.
Molecular consequence: frameshift variant.
Genome position (GRCh38, 1-based): chr11:108,251,963, A duplicated; the last of 3 consecutive A bases (chr11:108,251,961-108,251,963); duplicating any one gives the same sequence. VCF-style (leftmost placement, unchanged base first): chr11-108251960-G-GA. GRCh37 (hg19) VCF-style: chr11-108122687-G-GA.
Other names: c.1734dup, p.Trp579fs (NM_001351834.2); short protein forms W579fs.
Identifiers: ClinVar variation 4082322 (VCV004082322.1).

ClinVar aggregate classification (germline): Pathogenic (1 of 4 stars; one submission).

Conditions:
Hereditary cancer-predisposing syndrome. Also called: Tumor predisposition; Neoplastic Syndromes, Hereditary; Hereditary neoplastic syndrome; Hereditary Cancer Syndrome. Identifiers: Orphanet 140162, MedGen C0027672, MeSH D009386, MONDO:0015356.

Submission:

Molecular Diagnostics Laboratory, Catalan Institute of Oncology
Classification: Pathogenic for Hereditary cancer-predisposing syndrome. Last evaluated: 2025-08-26. Review status: criteria provided, single submitter. Criteria: ClinGen ACMG Specifications ATM V1.1.0. Collection method: clinical testing. Allele origin: germline.
Comment: PVS1, PM2_Supporting, PM5_Supporting c.1734dup, located in exon 11 of the ATM gene, consists in the duplication of 1 nucleotide, causing a translational frameshift with a predicted alternate stop codon, p.(Trp579Metfs*10). This alteration is expected to result in loss of function by premature protein truncation and nonsense-mediated mRNA decay (PVS1, PM5_Supporting). No effect is predicted on splicing by SpliceAI. It is not present in the population database gnomAD v2.1.1, non cancer dataset (PM2_Supporting). To our knowledge, neither relevant clinical data nor well-established functional studies have been reported for this variant. Also, the variant has not been reported in ClinVar or LOVD databases. Based on the currently available information, c.1734dup is classified as a pathogenic variant according to ClinGen-ATM Guidelines v. 1.1